The following is an entry in ClinVar:

NM_001080467.3(MYO5B):c.3520G>A (p.Asp1174Asn)

Gene: MYO5B (myosin VB; minus strand). Cytogenetic location: 18q21.1.
Variant type: single nucleotide variant.
Coding change: c.3520G>A on transcript NM_001080467.3 (MANE Select); coding-DNA position 3520, G replaced by A.
Protein change: p.Asp1174Asn; replaces aspartic acid 1174 with asparagine.
Molecular consequence: missense variant.
Genome position (GRCh38, 1-based): chr18:49,875,704, C>T on the plus strand (G>A on the coding strand, the complement: MYO5B is on the minus strand). VCF-style: chr18-49875704-C-T. GRCh37 (hg19) VCF-style: chr18-47402074-C-T.
Other names: short protein forms D1174N.
Identifiers: ClinVar variation 1499467 (VCV001499467.5), dbSNP rs750133529, ClinGen allele CA8960702.

ClinVar aggregate classification (germline): Uncertain significance (1 of 4 stars; one submission).

Allele frequency attached by ClinVar (database versions not stated): gnomAD exomes below 0.00001 and 0.00001; ExAC 0.00001; gnomAD 0.00002; TOPMed 0.00002.
gnomAD v4.1: 16 of 1,614,030 alleles (0.00099%); highest among the groups gnomAD compares: African/African-American, 0.0013%; no homozygotes.

Submission:

Labcorp Genetics (formerly Invitae), Labcorp
Classification: Uncertain significance. Last evaluated: 2021-08-13. Review status: criteria provided, single submitter. Criteria: Invitae Variant Classification Sherloc (09022015). Collection method: clinical testing. Allele origin: germline.
Comment: This sequence change replaces aspartic acid with asparagine at codon 1174 of the MYO5B protein (p.Asp1174Asn). The aspartic acid residue is moderately conserved and there is a small physicochemical difference between aspartic acid and asparagine. This variant is present in population databases (rs750133529, ExAC 0.001%). This variant has not been reported in the literature in individuals affected with MYO5B-related conditions. Algorithms developed to predict the effect of missense changes on protein structure and function (SIFT, PolyPhen-2, Align-GVGD) all suggest that this variant is likely to be tolerated. In summary, the available evidence is currently insufficient to determine the role of this variant in disease. Therefore, it has been classified as a Variant of Uncertain Significance.